The following is an entry in ClinVar:

ClinVar aggregate classification (germline): Likely pathogenic. Review status: criteria provided, multiple submitters, no conflicts (2 of 4 stars). 2 submissions from 2 submitters: Likely pathogenic (2). Last evaluated 2023-10-19.

Conditions:
Familial hypocalciuric hypercalcemia (FHH). Also called: Familial benign hypercalcemia. Identifiers: Orphanet 405, MedGen C1809471, MONDO:0018458.

Submissions (2):

Women's Health and Genetics/Laboratory Corporation of America, LabCorp
Classification: Likely pathogenic for Familial hypocalciuric hypercalcemia. Last evaluated: 2023-10-19. Review status: criteria provided, single submitter. Criteria: LabCorp Variant Classification Summary - May 2015. Collection method: clinical testing. Allele origin: germline.
Comment: Variant summary: CASR c.2243C>A (p.Pro748Gln) results in a non-conservative amino acid change located in the GPCR family 3, C-terminal domain (IPR017978) of the encoded protein sequence. Five of five in-silico tools predict a damaging effect of the variant on protein function. A discrepancy between the genome and transcript sequences at the adjacent position c.2244 of this codon results in the minor allele, namely "C" at this location. As majority of occurrences have a "C" at this location, this variant can also be annotated as c.2243_2244delinsAC or as c.2243C>A, both of which encode p.Pro748His. A different variant, c.2243C>G (p.Pro748Arg) at the same location has been classified as pathogenic, supporting the critical relevance of this residue to protein function. The variant was absent in 250560 control chromosomes. c.2243C>A encoding p.Pro748His, has been reported in the literature in heterozygous individuals affected with Familial Hypocalciuric Hypercalcemia (e.g. Mouly_2020, Cetani_2009). To our knowledge, no reports of this variant encoding p.Pro748Gln have been reported in the literature. These data indicate that the variant may be associated with disease. At least one publication reports experimental evidence evaluating an impact of p.Pro748His on protein function. The most pronounced variant effect results in >50%-90% of normal activity (e.g.Cetani_2009). The following publications have been ascertained in the context of this evaluation (PMID: 32347971, 19073830). One submitter has cited clinical-significance assessments for this variant to ClinVar after 2014 and has classified the variant as likely pathogenic. Based on the evidence outlined above, the variant was classified as likely pathogenic.

GeneDx
Classification: Likely pathogenic. Last evaluated: 2017-03-10. Review status: criteria provided, single submitter. Criteria: GeneDx Variant Classification (06012015). Collection method: clinical testing. Allele origin: germline. Affected: yes.
Comment: The P748H variant has been published previously in association with familial hypocalciuric hypercalcemia (Cetani et al. 2009). It is reported as likely pathogenic in ClinVar by a different clinical laboratory, but additional evidence is not available (ClinVar SCV000052090.1; Landrum et al., 2015). The variant is not observed in large population cohorts (Lek et al., 2016; 1000 Genomes Consortium et al., 2015; Exome Variant Server). P748H is a non-conservative amino acid substitution, which is likely to impact secondary protein structure as these residues differ in polarity, charge, size and/or other properties. This substitution occurs at a position that is conserved across species, and in silico analysis predicts this variant is probably damaging to the protein structure/function. Additionally, functional studies have shown the P748H receptor shows a reduced response to calcium in comparison to wild type (Cetani et al. 2009). In summary, this variant is likely pathogenic.

Literature cited by the submitters: PubMed 19073830 (cited by Women's Health and Genetics/Laboratory Corporation of America, LabCorp); PubMed 32347971 (cited by Women's Health and Genetics/Laboratory Corporation of America, LabCorp).

NM_000388.4(CASR):c.2243C>A (p.Pro748Gln)

Gene: CASR (calcium sensing receptor; plus strand). Cytogenetic location: 3q21.1.
Variant type: single nucleotide variant.
Coding change: c.2243C>A on transcript NM_000388.4 (MANE Select); coding-DNA position 2243, C replaced by A.
Protein change: p.Pro748Gln; replaces proline 748 with glutamine.
Molecular consequence: missense variant.
Genome position (GRCh38, 1-based): chr3:122,284,197, C>A. VCF-style: chr3-122284197-C-A. GRCh37 (hg19) VCF-style: chr3-122003044-C-A.
Other names: c.2273C>A, p.Pro758Gln (NM_001178065.2); short protein forms P758Q, P748Q.
Identifiers: ClinVar variation 35788 (VCV000035788.6), dbSNP rs193922433, ClinGen allele CA213582.